The following is an entry in ClinVar:

ClinVar aggregate classification (germline): Likely pathogenic (1 of 4 stars; one submission).

Conditions:
Visceral myopathy 1 (VSCM1). Also called: ACTG2 Visceral Myopathy; Infantile visceral myopathy; Visceral myopathy. Identifiers: Orphanet 2604, MedGen C5542197, MONDO:0020754, OMIM 155310.

Allele frequency attached by ClinVar (database versions not stated): gnomAD exomes below 0.00001; TOPMed below 0.00001; gnomAD 0.00001.
gnomAD v4.1: 3 of 1,612,098 alleles (0.00019%); highest among the groups gnomAD compares: African/African-American, 0.0013%; no homozygotes.

Submission:

Illumina Laboratory Services, Illumina
Classification: Likely pathogenic for Visceral myopathy 1. Last evaluated: 2020-09-17. Review status: criteria provided, single submitter. Criteria: ICSLVariantClassificationCriteria RUGD 01 April 2020. Collection method: clinical testing. Allele origin: unknown.
Comment: The ACTG2 c.28G>A p.(Val10Met) missense has not, to our knowledge, been reported in the peer-reviewed literature. This variant is not observed in version 2.1.1 of the Genome Aggregation Database. Multiple lines of computational evidence suggest the variant may impact the gene or gene product. Missense variants are a known mechanism of disease. Based on the available evidence, the c.28G>A p.(Val10Met) variant is classified as likely pathogenic for visceral myopathy 1

NM_001615.4(ACTG2):c.28G>A (p.Val10Met)

Gene: ACTG2 (actin gamma 2, smooth muscle; plus strand). Cytogenetic location: 2p13.1.
Variant type: single nucleotide variant.
Coding change: c.28G>A on transcript NM_001615.4 (MANE Select); coding-DNA position 28, G replaced by A.
Protein change: p.Val10Met; replaces valine 10 with methionine.
Molecular consequence: missense variant.
Genome position (GRCh38, 1-based): chr2:73,901,339, G>A. VCF-style: chr2-73901339-G-A. GRCh37 (hg19) VCF-style: chr2-74128466-G-A.
Other names: c.28G>A, p.Val10Met (NM_001199893.2); short protein forms V10M.
Identifiers: ClinVar variation 3062129 (VCV003062129.1), dbSNP rs1462841170, ClinGen allele CA347301207.
Genomic context (GRCh38, chr2:73,901,339, plus strand): 5'-CTCCAGTCCCCAGCTCACTCAGCCACACACACCATGTGTGAAGAGGAGACCACCGCGCTC[G>A]TGTGTGACAATGGCTCTGGCCTGTGCAAGGCAGGCTTCGCAGGAGATGATGCCCCCCGGG-3'
Protein context (NP_001606.1, residues 1-20): MCEEETTAL[Val10Met]CDNGSGLCKA